The following is an entry in ClinVar:

ClinVar aggregate classification (germline): Conflicting classifications of pathogenicity. Review status: criteria provided, conflicting classifications (1 of 4 stars). 4 submissions from 4 submitters: Uncertain significance (1); Likely benign (2). 1 of the submissions does not count toward it. Last evaluated 2026-01-26.

Conditions:
SPARC-related disorder. Also called: SPARC-related condition.

Allele frequency attached by ClinVar (database versions not stated): gnomAD exomes 0.00046; ExAC 0.00066; gnomAD 0.00151 and 0.00166; TOPMed 0.00172; 1000 Genomes Project 0.00180; 1000 Genomes Project 30x 0.00187; ESP Exome Variant Server 0.00238.
gnomAD v4.1: 493 of 1,613,956 alleles (0.031%); highest among the groups gnomAD compares: African/African-American, 0.58%; no homozygotes.

Submissions (8):

Labcorp Genetics (formerly Invitae), Labcorp
Classification: Likely benign. Last evaluated: 2026-01-26. Review status: criteria provided, single submitter. Criteria: Invitae Variant Classification Sherloc (09022015). Collection method: clinical testing. Allele origin: germline.

Mayo Clinic Laboratories, Mayo Clinic
Classification: Uncertain significance. Last evaluated: 2025-04-28. Review status: criteria provided, single submitter. Criteria: ACMG Guidelines, 2015. Collection method: clinical testing. Allele origin: germline. Observed: 2 variant alleles.
Comment: BS1

Breakthrough Genomics
Classification: Likely benign. Review status: criteria provided, single submitter. Criteria: ACMG Guidelines, 2015. Collection method: not provided. Allele origin: germline. Inheritance: Autosomal recessive inheritance. Affected: yes.

PreventionGenetics, part of Exact Sciences
Classification: Likely benign for SPARC-related condition. Last evaluated: 2023-04-19. Review status: no assertion criteria provided. Collection method: clinical testing. Allele origin: germline. Not counted in ClinVar's aggregate classification.
Comment: This variant is classified as likely benign based on ACMG/AMP sequence variant interpretation guidelines (Richards et al. 2015 PMID: 25741868, with internal and published modifications).

Dr. Peter K. Rogan Lab, Western University
No classification provided (evidence only). Condition: Lung cancer. Review status: no classification provided. Collection method: in vitro. Allele origin: not applicable. Functional consequence: skipped exon. Not counted in ClinVar's aggregate classification.

Dr. Peter K. Rogan Lab, Western University
No classification provided (evidence only). Condition: Familial cancer of breast. Review status: no classification provided. Collection method: in vitro. Allele origin: not applicable. Functional consequence: skipped exon, retained intron. Not counted in ClinVar's aggregate classification.

Dr. Peter K. Rogan Lab, Western University
No classification provided (evidence only). Condition: Familial cancer of breast. Review status: no classification provided. Collection method: in vitro. Allele origin: not applicable. Functional consequence: skipped exon. Not counted in ClinVar's aggregate classification.

Dr. Peter K. Rogan Lab, Western University
No classification provided (evidence only). Condition: Ovarian serous cystadenocarcinoma. Review status: no classification provided. Collection method: in vitro. Allele origin: not applicable. Functional consequence: retained intron. Not counted in ClinVar's aggregate classification.

NM_003118.4(SPARC):c.120+5G>A

Gene: SPARC (secreted protein acidic and cysteine rich; minus strand). Cytogenetic location: 5q33.1.
Variant type: single nucleotide variant.
Coding change: c.120+5G>A on transcript NM_003118.4 (MANE Select); 5 bases into the intron after coding-DNA position 120, G replaced by A.
Molecular consequence: intron variant.
Genome position (GRCh38, 1-based): chr5:151,674,607, C>T on the plus strand (G>A on the coding strand, the complement: SPARC is on the minus strand). VCF-style: chr5-151674607-C-T. GRCh37 (hg19) VCF-style: chr5-151054168-C-T.
Other names: c.117+5G>A (NM_001309443.2); c.120+5G>A (NM_001309444.2).
Identifiers: ClinVar variation 726331 (VCV000726331.15), dbSNP rs199932910, ClinGen allele CA3522824.